The following is an entry in ClinVar:

NM_001002755.4(NFU1):c.107C>T (p.Pro36Leu)

Gene: NFU1 (NFU1 iron-sulfur cluster scaffold; minus strand). Cytogenetic location: 2p13.3.
Variant type: single nucleotide variant.
Coding change: c.107C>T on transcript NM_001002755.4 (MANE Select); coding-DNA position 107, C replaced by T.
Protein change: p.Pro36Leu; replaces proline 36 with leucine.
Molecular consequence: missense variant. On other transcripts: 5 prime UTR variant (1), non-coding transcript variant (2).
Genome position (GRCh38, 1-based): chr2:69,431,961, G>A on the plus strand (C>T on the coding strand, the complement: NFU1 is on the minus strand). VCF-style: chr2-69431961-G-A. GRCh37 (hg19) VCF-style: chr2-69659093-G-A.
Other names: c.-181C>T (NM_001002756.2); c.35C>T, p.Pro12Leu (NM_001374284.1, NM_015700.4); short protein forms P36L, P12L.
Identifiers: ClinVar variation 2187224 (VCV002187224.1), dbSNP rs1313353490, ClinGen allele CA347132736.

ClinVar aggregate classification (germline): Uncertain significance (1 of 4 stars; one submission).

Conditions:
Multiple mitochondrial dysfunctions syndrome 1 (MMDS1). Identifiers: Orphanet 401869, MedGen C3276432, MONDO:0011582, OMIM 605711.

Submission:

Labcorp Genetics (formerly Invitae), Labcorp
Classification: Uncertain significance for Multiple mitochondrial dysfunctions syndrome 1. Last evaluated: 2022-07-27. Review status: criteria provided, single submitter. Criteria: Invitae Variant Classification Sherloc (09022015). Collection method: clinical testing. Allele origin: germline.
Comment: This sequence change replaces proline, which is neutral and non-polar, with leucine, which is neutral and non-polar, at codon 36 of the NFU1 protein (p.Pro36Leu). This variant is present in population databases (no rsID available, gnomAD no frequency). This variant has not been reported in the literature in individuals affected with NFU1-related conditions. Algorithms developed to predict the effect of missense changes on protein structure and function output the following: SIFT: "Tolerated"; PolyPhen-2: "Benign"; Align-GVGD: "Class C0". The leucine amino acid residue is found in multiple mammalian species, which suggests that this missense change does not adversely affect protein function. In summary, the available evidence is currently insufficient to determine the role of this variant in disease. Therefore, it has been classified as a Variant of Uncertain Significance.